The following is an entry in ClinVar:

ClinVar aggregate classification (germline): Uncertain significance (1 of 4 stars; one submission).

Conditions:
Hereditary cancer-predisposing syndrome. Also called: Neoplastic Syndromes, Hereditary; Tumor predisposition; Hereditary Cancer Syndrome; Hereditary neoplastic syndrome. Identifiers: Orphanet 140162, MedGen C0027672, MeSH D009386, MONDO:0015356.

Submission:

Labcorp Genetics (formerly Invitae), Labcorp
Classification: Uncertain significance for Hereditary cancer-predisposing syndrome. Last evaluated: 2022-03-24. Review status: criteria provided, single submitter. Criteria: Invitae Variant Classification Sherloc (09022015). Collection method: clinical testing. Allele origin: germline.
Comment: This sequence change replaces asparagine, which is neutral and polar, with isoleucine, which is neutral and non-polar, at codon 607 of the RAD50 protein (p.Asn607Ile). This variant is not present in population databases (gnomAD no frequency). In summary, the available evidence is currently insufficient to determine the role of this variant in disease. Therefore, it has been classified as a Variant of Uncertain Significance. Algorithms developed to predict the effect of missense changes on protein structure and function are either unavailable or do not agree on the potential impact of this missense change (SIFT: "Deleterious"; PolyPhen-2: "Benign"; Align-GVGD: "Class C0"). This variant has not been reported in the literature in individuals affected with RAD50-related conditions.

NM_005732.4(RAD50):c.1820A>T (p.Asn607Ile)

Gene: RAD50 (RAD50 double strand break repair protein; plus strand). Cytogenetic location: 5q31.1.
Variant type: single nucleotide variant.
Coding change: c.1820A>T on transcript NM_005732.4 (MANE Select); coding-DNA position 1820, A replaced by T.
Protein change: p.Asn607Ile; replaces asparagine 607 with isoleucine.
Molecular consequence: missense variant.
Genome position (GRCh38, 1-based): chr5:132,594,895, A>T. VCF-style: chr5-132594895-A-T. GRCh37 (hg19) VCF-style: chr5-131930587-A-T.
Other names: short protein forms N607I.
Identifiers: ClinVar variation 2116583 (VCV002116583.4), dbSNP rs2479649696, ClinGen allele CA360947511.